The following is an entry in ClinVar:

ClinVar aggregate classification (germline): Uncertain significance (1 of 4 stars; one submission).

Submission:

Labcorp Genetics (formerly Invitae), Labcorp
Classification: Uncertain significance. Last evaluated: 2022-07-31. Review status: criteria provided, single submitter. Criteria: Invitae Variant Classification Sherloc (09022015). Collection method: clinical testing. Allele origin: germline.
Comment: This sequence change replaces aspartic acid, which is acidic and polar, with asparagine, which is neutral and polar, at codon 177 of the CNGB3 protein (p.Asp177Asn). The frequency data for this variant in the population databases is considered unreliable, as metrics indicate poor data quality at this position in the gnomAD database. This variant has not been reported in the literature in individuals affected with CNGB3-related conditions. Advanced modeling of protein sequence and biophysical properties (such as structural, functional, and spatial information, amino acid conservation, physicochemical variation, residue mobility, and thermodynamic stability) performed at Invitae indicates that this missense variant is not expected to disrupt CNGB3 protein function. In summary, the available evidence is currently insufficient to determine the role of this variant in disease. Therefore, it has been classified as a Variant of Uncertain Significance.

NM_019098.5(CNGB3):c.529G>A (p.Asp177Asn)

Gene: CNGB3 (cyclic nucleotide gated channel subunit beta 3; minus strand). Cytogenetic location: 8q21.3.
Variant type: single nucleotide variant.
Coding change: c.529G>A on transcript NM_019098.5 (MANE Select); coding-DNA position 529, G replaced by A.
Protein change: p.Asp177Asn; replaces aspartic acid 177 with asparagine.
Molecular consequence: missense variant.
Genome position (GRCh38, 1-based): chr8:86,668,133, C>T on the plus strand (G>A on the coding strand, the complement: CNGB3 is on the minus strand). VCF-style: chr8-86668133-C-T. GRCh37 (hg19) VCF-style: chr8-87680361-C-T.
Other names: short protein forms D177N.
Identifiers: ClinVar variation 1957105 (VCV001957105.2), dbSNP rs561985484, ClinGen allele CA4800356.